The following is an entry in ClinVar:

ClinVar aggregate classification (germline): Pathogenic (1 of 4 stars; one submission).

Conditions:
Hereditary spastic paraplegia 11. Also called: Spastic Paraplegia 11; Nakamura Osame syndrome; Autosomal recessive hereditary spastic paraplegia, mental impairment, and thin corpus callosum; SPASTIC PARAPLEGIA, AUTOSOMAL RECESSIVE, COMPLICATED, WITH THIN CORPUS CALLOSUM; SPASTIC PARAPLEGIA, AUTOSOMAL RECESSIVE, WITH MENTAL IMPAIRMENT AND THIN CORPUS CALLOSUM; Spastic paraplegia, mental retardation and thin corpus callosum. Identifiers: Orphanet 2822, MedGen C1858479, MONDO:0011445, OMIM 604360.

Allele frequency attached by ClinVar (database versions not stated): gnomAD exomes below 0.00001; ExAC 0.00001.

Submission:

Labcorp Genetics (formerly Invitae), Labcorp
Classification: Pathogenic for Hereditary spastic paraplegia 11. Last evaluated: 2022-05-15. Review status: criteria provided, single submitter. Criteria: Invitae Variant Classification Sherloc (09022015). Collection method: clinical testing. Allele origin: germline.
Comment: For these reasons, this variant has been classified as Pathogenic. This variant is also known as c.434insC. This premature translational stop signal has been observed in individual(s) with hereditary spastic paraplegia (PMID: 24833714). This variant is present in population databases (rs780266075, gnomAD 0.0009%). This sequence change creates a premature translational stop signal (p.Gln145Profs*18) in the SPG11 gene. It is expected to result in an absent or disrupted protein product. Loss-of-function variants in SPG11 are known to be pathogenic (PMID: 19105190, 20110243, 22154821, 26556829).

Literature cited by the submitters: PubMed 24833714; PubMed 19105190; PubMed 20110243; PubMed 22154821; PubMed 26556829.

NM_025137.4(SPG11):c.433dup (p.Gln145fs)

Gene: SPG11 (SPG11 vesicle trafficking associated, spatacsin; minus strand). Cytogenetic location: 15q21.1.
Variant type: Duplication.
Coding change: c.433dup on transcript NM_025137.4 (MANE Select); coding-DNA position 433, one base duplicated (C; older notation c.433dupC).
Protein change: p.Gln145fs; shifts the reading frame from glutamine 145.
Molecular consequence: frameshift variant.
Genome position (GRCh38, 1-based): chr15:44,660,441, G duplicated on the plus strand (C on the coding strand, the reverse complement: SPG11 is on the minus strand). VCF-style (leftmost placement, unchanged base first): chr15-44660440-T-TG. GRCh37 (hg19) VCF-style: chr15-44952638-T-TG.
Other names: c.433dup, p.Gln145fs (NM_001160227.2); short protein forms Q145fs.
Identifiers: ClinVar variation 1452849 (VCV001452849.6), dbSNP rs780266075, ClinGen allele CA7535848.